The following is an entry in ClinVar:

NM_003193.5(TBCE):c.262C>T (p.Arg88Cys)

Gene: TBCE (tubulin folding cofactor E; plus strand). Cytogenetic location: 1q42.3.
Variant type: single nucleotide variant.
Coding change: c.262C>T on transcript NM_003193.5 (MANE Select); coding-DNA position 262, C replaced by T.
Protein change: p.Arg88Cys; replaces arginine 88 with cysteine.
Molecular consequence: missense variant. On other transcripts: 5 prime UTR variant (1).
Genome position (GRCh38, 1-based): chr1:235,414,509, C>T. VCF-style: chr1-235414509-C-T. GRCh37 (hg19) VCF-style: chr1-235577824-C-T.
Other names: c.262C>T (NM_003193.3); c.262C>T, p.Arg88Cys (NM_001079515.3, NM_001287801.2); c.-134C>T (NM_001287802.2); short protein forms R88C.
Identifiers: ClinVar variation 1053538 (VCV001053538.3), dbSNP rs200422130, ClinGen allele CA1463984.

ClinVar aggregate classification (germline): Uncertain significance. Review status: criteria provided, multiple submitters, no conflicts (2 of 4 stars). 2 submissions from 2 submitters: Uncertain significance (2). Last evaluated 2025-06-29.

Conditions:
Inborn genetic diseases. Identifiers: MedGen C0950123, MeSH D030342.

Allele frequency attached by ClinVar (database versions not stated): gnomAD 0.00001; TOPMed 0.00002; gnomAD exomes 0.00004.

Submissions (2):

Ambry Genetics
Classification: Uncertain significance for Inborn genetic diseases. Last evaluated: 2025-06-29. Review status: criteria provided, single submitter. Criteria: Ambry Variant Classification Scheme 2023. Collection method: clinical testing. Allele origin: germline.

Labcorp Genetics (formerly Invitae), Labcorp
Classification: Uncertain significance. Last evaluated: 2022-06-23. Review status: criteria provided, single submitter. Criteria: Invitae Variant Classification Sherloc (09022015). Collection method: clinical testing. Allele origin: germline.
Comment: This sequence change replaces arginine, which is basic and polar, with cysteine, which is neutral and slightly polar, at codon 88 of the TBCE protein (p.Arg88Cys). This variant is present in population databases (rs200422130, gnomAD 0.005%). This variant has not been reported in the literature in individuals affected with TBCE-related conditions. ClinVar contains an entry for this variant (Variation ID: 1053538). Algorithms developed to predict the effect of missense changes on protein structure and function are either unavailable or do not agree on the potential impact of this missense change (SIFT: "Deleterious"; PolyPhen-2: "Benign"; Align-GVGD: "Class C55"). In summary, the available evidence is currently insufficient to determine the role of this variant in disease. Therefore, it has been classified as a Variant of Uncertain Significance.